The following is an entry in ClinVar:

ClinVar aggregate classification (germline): Uncertain significance (1 of 4 stars; one submission).

Conditions:
Fanconi anemia (FA). Also called: Fanconi's anemia. Identifiers: Orphanet 84, MedGen C0015625, MeSH D005199, MONDO:0019391.

Submission:

Labcorp Genetics (formerly Invitae), Labcorp
Classification: Uncertain significance for Fanconi anemia. Last evaluated: 2020-07-07. Review status: criteria provided, single submitter. Criteria: Invitae Variant Classification Sherloc (09022015). Collection method: clinical testing. Allele origin: germline.
Comment: This sequence change falls in intron 34 of the FANCD2 gene. It does not directly change the encoded amino acid sequence of the FANCD2 protein, but it affects a nucleotide within the consensus splice site of the intron. In summary, the available evidence is currently insufficient to determine the role of this variant in disease. Therefore, it has been classified as a Variant of Uncertain Significance. Nucleotide substitutions within the consensus splice site are a relatively common cause of aberrant splicing (PMID: 17576681, 9536098). Algorithms developed to predict the effect of sequence changes on RNA splicing suggest that this variant may disrupt the consensus splice site, but this prediction has not been confirmed by published transcriptional studies. This variant has not been reported in the literature in individuals with FANCD2-related conditions. This variant is not present in population databases (ExAC no frequency).

Literature cited by the submitters: PubMed 17576681; PubMed 9536098.

NM_001018115.3(FANCD2):c.3467-3C>A

Genes: FANCD2OS (FANCD2 opposite strand; minus strand), FANCD2 (FA complementation group D2; plus strand). Cytogenetic location: 3p25.3.
Variant type: single nucleotide variant.
Coding change: c.3467-3C>A on transcript NM_001018115.3 (MANE Select); 3 bases into the intron before coding-DNA position 3467, C replaced by A.
Molecular consequence: intron variant.
Genome position (GRCh38, 1-based): chr3:10,088,446, C>A. VCF-style: chr3-10088446-C-A. GRCh37 (hg19) VCF-style: chr3-10130130-C-A.
Other names: c.3467-3C>A (NM_001319984.2, NM_033084.6, NM_001374254.1); c.3356-3C>A (NM_001374253.1); c.*44-6915G>T (NM_173472.2).
Identifiers: ClinVar variation 1051208 (VCV001051208.9), dbSNP rs1694370265, ClinGen allele CA2499216337.